The following is an entry in ClinVar:

NM_004006.3(DMD):c.2949+254G>C

Gene: DMD (dystrophin; minus strand). Cytogenetic location: Xp21.1.
Variant type: single nucleotide variant.
Coding change: c.2949+254G>C on transcript NM_004006.3 (MANE Select); 254 bases into the intron after coding-DNA position 2949, G replaced by C.
Molecular consequence: intron variant.
Genome position (GRCh38, 1-based): chrX:32,471,910, C>G on the plus strand (G>C on the coding strand, the complement: DMD is on the minus strand). VCF-style: chrX-32471910-C-G. GRCh37 (hg19) VCF-style: chrX-32490027-C-G.
Other names: c.2925+254G>C (NM_000109.4); c.2937+254G>C (NM_004009.3); c.2580+254G>C (NM_004010.3).
Identifiers: ClinVar variation 680937 (VCV000680937.1), dbSNP rs72468670, ClinGen allele CA328006720.

ClinVar aggregate classification (germline): Likely benign (1 of 4 stars; one submission).

Allele frequency attached by ClinVar (database versions not stated): 1000 Genomes Project 0.00530; 1000 Genomes Project 30x 0.00541; TOPMed 0.00577.
gnomAD v4.1: 562 of 111,658 alleles (0.5%); highest among the groups gnomAD compares: African/African-American, 1.7%; 2 homozygotes.

Submission:

GeneDx
Classification: Likely benign. Last evaluated: 2018-06-18. Review status: criteria provided, single submitter. Criteria: GeneDx Variant Classification (06012015). Collection method: clinical testing. Allele origin: germline. Affected: yes.
Comment: This variant is considered likely benign or benign based on one or more of the following criteria: it is a conservative change, it occurs at a poorly conserved position in the protein, it is predicted to be benign by multiple in silico algorithms, and/or has population frequency not consistent with disease.